The following is an entry in ClinVar:

ClinVar aggregate classification (germline): Conflicting classifications of pathogenicity. Review status: criteria provided, conflicting classifications (1 of 4 stars). 2 submissions from 2 submitters: Uncertain significance (1); Likely benign (1). Last evaluated 2025-02-09.

Conditions:
Multiple endocrine neoplasia, type 2 (MEN2). Identifiers: Orphanet 653, MedGen C4048306, MONDO:0019003. Disease mechanism: gain of function.
Hereditary cancer-predisposing syndrome. Also called: Neoplastic Syndromes, Hereditary; Tumor predisposition; Hereditary neoplastic syndrome; Hereditary Cancer Syndrome. Identifiers: Orphanet 140162, MedGen C0027672, MeSH D009386, MONDO:0015356.

gnomAD v4.1: 2 of 1,614,114 alleles (0.00012%); highest among the groups gnomAD compares: Middle Eastern, 0.016%; no homozygotes.

Submissions (2):

Labcorp Genetics (formerly Invitae), Labcorp
Classification: Uncertain significance for Multiple endocrine neoplasia, type 2. Last evaluated: 2025-02-09. Review status: criteria provided, single submitter. Criteria: Invitae Variant Classification Sherloc (09022015). Collection method: clinical testing. Allele origin: germline.
Comment: This sequence change replaces histidine, which is basic and polar, with tyrosine, which is neutral and polar, at codon 968 of the RET protein (p.His968Tyr). This variant is present in population databases (rs762448300, gnomAD 0.0009%). This variant has not been reported in the literature in individuals affected with RET-related conditions. ClinVar contains an entry for this variant (Variation ID: 3313725). An algorithm developed to predict the effect of missense changes on protein structure and function outputs the following: PolyPhen-2: "Benign". The tyrosine amino acid residue is found in multiple mammalian species, which suggests that this missense change does not adversely affect protein function. In summary, the available evidence is currently insufficient to determine the role of this variant in disease. Therefore, it has been classified as a Variant of Uncertain Significance.

Ambry Genetics
Classification: Likely benign for Hereditary cancer-predisposing syndrome. Last evaluated: 2024-04-22. Review status: criteria provided, single submitter. Criteria: Ambry Variant Classification Scheme 2023. Collection method: clinical testing. Allele origin: germline.

NM_020975.6(RET):c.2902C>T (p.His968Tyr)

Gene: RET (ret proto-oncogene; plus strand). Cytogenetic location: 10q11.21.
Variant type: single nucleotide variant.
Coding change: c.2902C>T on transcript NM_020975.6 (MANE Select); coding-DNA position 2902, C replaced by T.
Protein change: p.His968Tyr; replaces histidine 968 with tyrosine.
Molecular consequence: missense variant.
Genome position (GRCh38, 1-based): chr10:43,123,771, C>T. VCF-style: chr10-43123771-C-T. GRCh37 (hg19) VCF-style: chr10-43619219-C-T.
Other names: c.2767C>T, p.His923Tyr (NM_001406763.1, NM_001406765.1); c.2773C>T, p.His925Tyr (NM_001406764.1, NM_001406761.1, NM_001406762.1); c.2614C>T, p.His872Tyr (NM_001406766.1, NM_001406767.1, NM_001406770.1); c.2638C>T, p.His880Tyr (NM_001406768.1); c.2506C>T, p.His836Tyr (NM_001406769.1, NM_001406772.1); c.2464C>T, p.His822Tyr (NM_001406771.1, NM_001406773.1); c.2005C>T, p.His669Tyr (NM_001406782.1, NM_001406779.1, NM_001406780.1 and 1 more transcripts); c.1876C>T, p.His626Tyr (NM_001406783.1, NM_001406786.1); and 10 more; short protein forms H638Y, H485Y, H533Y, H626Y, H925Y, H968Y, H629Y, H669Y.
Identifiers: ClinVar variation 3313725 (VCV003313725.2).